The following is an entry in ClinVar:

ClinVar aggregate classification (germline): Pathogenic. Review status: reviewed by expert panel (3 of 4 stars). 2 submissions from 2 submitters: Pathogenic (1). 1 of the submissions does not count toward it. Last evaluated 2017-12-15.

Conditions:
Breast-ovarian cancer, familial, susceptibility to, 2 (BROVCA2). Also called: BRCA2 Hereditary Breast and Ovarian Cancer. Identifiers: Orphanet 145, MedGen C2675520, MONDO:0012933, OMIM 612555. Disease mechanism: loss of function.

Submissions (2):

Evidence-based Network for the Interpretation of Germline Mutant Alleles (ENIGMA)
Classification: Pathogenic for Breast-ovarian cancer, familial, susceptibility to, 2. Last evaluated: 2017-12-15. Review status: reviewed by expert panel. Criteria: ENIGMA BRCA1/2 Classification Criteria (2017-06-29). Collection method: curation. Allele origin: germline. Study: ENIGMA.
Comment: Variant allele predicted to encode a truncated non-functional protein.

Molecular Genetics Laboratory, University of Michigan
Classification: Pathogenic for Breast-ovarian cancer, familial, susceptibility to, 2. Last evaluated: 2016-04-21. Review status: criteria provided, single submitter. Criteria: ACMG Guidelines, 2015. Collection method: clinical testing. Allele origin: germline. Affected: yes. Not counted in ClinVar's aggregate classification.

NM_000059.4(BRCA2):c.5166dup (p.Thr1723fs)

Gene: BRCA2 (BRCA2 DNA repair associated; plus strand). Cytogenetic location: 13q13.1.
Variant type: Duplication.
Coding change: c.5166dup on transcript NM_000059.4 (MANE Select); coding-DNA position 5166, one base duplicated (T; older notation c.5166dupT).
Protein change: p.Thr1723fs; shifts the reading frame from threonine 1723.
Molecular consequence: frameshift variant.
Genome position (GRCh38, 1-based): chr13:32,339,521, T duplicated. VCF-style (leftmost placement, unchanged base first): chr13-32339520-G-GT. GRCh37 (hg19) VCF-style: chr13-32913657-G-GT.
Other names: c.5166dupT (NM_000059.3); short protein forms T1723fs.
Identifiers: ClinVar variation 225744 (VCV000225744.2), dbSNP rs869320794, ClinGen allele CA10576068.